The following is an entry in ClinVar:

NM_000016.6(ACADM):c.600-2540_709-97dup

Gene: ACADM (acyl-CoA dehydrogenase medium chain; plus strand). Cytogenetic location: 1p31.1.
Variant type: Duplication.
Coding change: c.600-2540_709-97dup on transcript NM_000016.6 (MANE Select); 2540 bases into the intron before coding-DNA position 600 through 97 bases into the intron before coding-DNA position 709, 6,057 bases duplicated.
Molecular consequence: splice acceptor variant, splice donor variant.
Genome position (GRCh38, 1-based): chr1:75,743,266-75,749,322, 6,057 bases duplicated. GRCh37 (hg19): chr1:76,208,951-76,215,007.
Other names: c.612-2540_721-97dup (NM_001127328.3); c.699-2540_808-97dup (NM_001286043.2); c.492-2540_601-97dup (NM_001286042.2); c.33-2540_142-97dup (NM_001286044.2).
Identifiers: ClinVar variation 4813665 (VCV004813665.1).

ClinVar aggregate classification (germline): Likely pathogenic (0 of 4 stars; one submission).

Conditions:
Medium-chain acyl-coenzyme A dehydrogenase deficiency (ACADMD). Also called: MCAD Deficiency; CARNITINE DEFICIENCY SECONDARY TO MEDIUM-CHAIN ACYL-CoA DEHYDROGENASE DEFICIENCY; MCADH DEFICIENCY; ACADM DEFICIENCY; MCADD; Medium chain acyl-CoA dehydrogenase deficiency. Identifiers: Orphanet 42, MedGen C0220710, MONDO:0008721, OMIM 201450.

Submission:

van Haaften laboratory, University Medical Center Utrecht
Classification: Likely pathogenic for Medium-chain acyl-coenzyme A dehydrogenase deficiency. Last evaluated: 2026-03-09. Review status: no assertion criteria provided. Collection method: clinical testing. Allele origin: inherited. Inheritance: Autosomal recessive inheritance. Affected: yes. Observed: 1 variant allele, 1 compound heterozygote.
Comment: PCR analysis showed the arrangement of the duplication is a simple ±6 kb tandem duplication. This duplication includes exon 8 (109bp), duplication is predicted to cause a frameshift and truncation of the ACADM protein.